The following is an entry in ClinVar:

ClinVar aggregate classification (germline): Benign. Review status: criteria provided, multiple submitters, no conflicts (2 of 4 stars). 16 submissions from 11 submitters: Benign (14). 2 of the submissions do not count toward it. Last evaluated 2026-02-04.

Conditions:
Charcot-Marie-Tooth disease. Also called: Charcot-Marie-Tooth Neuropathy; Charcot-Marie-Tooth Hereditary Neuropathy. Identifiers: Orphanet 166, MedGen C0007959, MONDO:0015626.
Scapuloperoneal spinal muscular atrophy (SPSMA). Also called: Scapuloperoneal spinal muscular atrophy, autosomal dominant; AMYOTROPHY, NEUROGENIC SCAPULOPERONEAL, NEW ENGLAND TYPE; Scapuloperoneal Form of Spinal Muscular Atrophy; Scapuloperoneal Spinal Muscular Atrophy, TRPV4-Related. Identifiers: Orphanet 431255, MedGen C0751335, MONDO:0008408, OMIM 181405.
Metatropic dysplasia (MTD). Also called: Metatropic dysplasia, nonlethal dominant; Metatropic Dysplasia, TRPV4-Related; METATROPIC DWARFISM. Identifiers: Orphanet 2635, MedGen C0265281, MONDO:0007986, OMIM 156530.
Charcot-Marie-Tooth disease axonal type 2C (HMSN2C). Also called: CHARCOT-MARIE-TOOTH DISEASE, AXONAL, AUTOSOMAL DOMINANT, TYPE 2C; Charcot-Marie-Tooth Neuropathy Type 2C; Charcot-Marie-Tooth Disease Type 2, TRPV4-Related (CMT2C). Identifiers: Orphanet 99937, MedGen C1853710, MONDO:0011633, OMIM 606071.
Brachyrachia (short spine dysplasia) (BCYM3). Also called: Brachyolmia Type 3; BRACHYRACHIA; Autosomal dominant brachyolmia; Brachyolmia, TRPV4-Related. Identifiers: Orphanet 93304, MedGen C0432227, MONDO:0007232, OMIM 113500.
Neuronopathy, distal hereditary motor, autosomal dominant 8. Also called: SPINAL MUSCULAR ATROPHY, CONGENITAL BENIGN, WITH CONTRACTURES; NEURONOPATHY, DISTAL HEREDITARY MOTOR, TYPE VIII; NEUROPATHY, DISTAL HEREDITARY MOTOR, TYPE VIII; Autosomal dominant congenital benign spinal muscular atrophy. Identifiers: Orphanet 1216, MedGen C1838492, MONDO:0010839, OMIM 600175.
Spondylometaphyseal dysplasia, Kozlowski type (SMDK). Also called: Dysmorphism arthrogryposis skeletal maturation advanced; Jequier-Kozlowski syndrome; Skeletal dysplasia Jequier-Kozlowski type; SMD Kozlowski type; Spondylometaphyseal Dysplasia, TRPV4-Related (Kozlowski Type). Identifiers: Orphanet 93314, MedGen C0265280, MONDO:0008477, OMIM 184252.

Allele frequency attached by ClinVar (database versions not stated): gnomAD exomes 0.10670 and 0.09609; gnomAD 0.12664 and 0.12801; 1000 Genomes Project 30x 0.15818; 1000 Genomes Project 0.15635; TOPMed 0.12889; ESP Exome Variant Server 0.12963; ExAC 0.11347.
gnomAD v4.1: 160,057 of 1,614,032 alleles (9.9%); highest among the groups gnomAD compares: African/African-American, 22%; 9,275 homozygotes.

Submissions (16):

Labcorp Genetics (formerly Invitae), Labcorp
Classification: Benign for Charcot-Marie-Tooth disease axonal type 2C. Last evaluated: 2026-02-04. Review status: criteria provided, single submitter. Criteria: Invitae Variant Classification Sherloc (09022015). Collection method: clinical testing. Allele origin: germline.

Illumina Laboratory Services, Illumina
Classification: Benign for Scapuloperoneal spinal muscular atrophy. Last evaluated: 2018-01-12. Review status: criteria provided, single submitter. Criteria: ICSL Variant Classification Criteria 13 December 2019. Collection method: clinical testing. Allele origin: germline.
Comment: This variant was observed in the ICSL laboratory as part of a predisposition screen in an ostensibly healthy population. It had not been previously curated by ICSL or reported in the Human Gene Mutation Database (HGMD: prior to June 1st, 2018), and was therefore a candidate for classification through an automated scoring system. Utilizing variant allele frequency, disease prevalence and penetrance estimates, and inheritance mode, an automated score was calculated to assess if this variant is too frequent to cause the disease. Based on the score and internal cut-off values, a variant classified as benign is not then subjected to further curation. The score for this variant resulted in a classification of benign for this disease.

Illumina Laboratory Services, Illumina
Classification: Benign for Brachyrachia (short spine dysplasia). Last evaluated: 2018-01-12. Review status: criteria provided, single submitter. Criteria: ICSL Variant Classification Criteria 13 December 2019. Collection method: clinical testing. Allele origin: germline.
Comment: the same text as in the submission from Illumina Laboratory Services, Illumina above.

Illumina Laboratory Services, Illumina
Classification: Benign for Metatropic dysplasia. Last evaluated: 2018-01-12. Review status: criteria provided, single submitter. Criteria: ICSL Variant Classification Criteria 13 December 2019. Collection method: clinical testing. Allele origin: germline.
Comment: the same text as in the submission from Illumina Laboratory Services, Illumina above.

Illumina Laboratory Services, Illumina
Classification: Benign for Spondylometaphyseal dysplasia, Kozlowski type. Last evaluated: 2018-01-12. Review status: criteria provided, single submitter. Criteria: ICSL Variant Classification Criteria 13 December 2019. Collection method: clinical testing. Allele origin: germline.
Comment: the same text as in the submission from Illumina Laboratory Services, Illumina above.

Illumina Laboratory Services, Illumina
Classification: Benign for Neuronopathy, distal hereditary motor, autosomal dominant 8. Last evaluated: 2018-01-12. Review status: criteria provided, single submitter. Criteria: ICSL Variant Classification Criteria 13 December 2019. Collection method: clinical testing. Allele origin: germline.
Comment: the same text as in the submission from Illumina Laboratory Services, Illumina above.

Illumina Laboratory Services, Illumina
Classification: Benign for Charcot-Marie-Tooth disease axonal type 2C. Last evaluated: 2018-01-12. Review status: criteria provided, single submitter. Criteria: ICSL Variant Classification Criteria 13 December 2019. Collection method: clinical testing. Allele origin: germline.
Comment: the same text as in the submission from Illumina Laboratory Services, Illumina above.

Eurofins Ntd Llc (ga)
Classification: Benign. Last evaluated: 2017-09-18. Review status: criteria provided, single submitter. Criteria: EGL Classification Definitions 2015. Collection method: clinical testing. Allele origin: germline. Observed: 1 variant allele, 1 heterozygote.

Athena Diagnostics
Classification: Benign. Last evaluated: 2017-07-18. Review status: criteria provided, single submitter. Criteria: Athena Diagnostics Criteria. Collection method: clinical testing. Allele origin: germline.

Mayo Clinic Laboratories, Mayo Clinic
Classification: Benign. Last evaluated: 2016-03-04. Review status: criteria provided, single submitter. Criteria: ACMG Guidelines, 2015. Collection method: clinical testing. Allele origin: germline. Observed: 409 variant alleles.

GeneDx
Classification: Benign. Last evaluated: 2013-12-11. Review status: criteria provided, single submitter. Criteria: GeneDx Variant Classification (06012015). Collection method: clinical testing. Allele origin: germline. Affected: yes.
Comment: This variant is considered likely benign or benign based on one or more of the following criteria: it is a conservative change, it occurs at a poorly conserved position in the protein, it is predicted to be benign by multiple in silico algorithms, and/or has population frequency not consistent with disease.

Breakthrough Genomics
Classification: Benign. Review status: criteria provided, single submitter. Criteria: ACMG Guidelines, 2015. Collection method: not provided. Allele origin: germline. Inheritance: Autosomal dominant inheritance. Affected: yes.

Molecular Genetics Laboratory, London Health Sciences Centre
Classification: Benign for Charcot-Marie-Tooth disease. Review status: criteria provided, single submitter. Criteria: ACMG Guidelines, 2015. Collection method: clinical testing. Allele origin: germline. Affected: yes.

PreventionGenetics, part of Exact Sciences
Classification: Benign. Review status: criteria provided, single submitter. Criteria: ACMG Guidelines, 2015. Collection method: clinical testing. Allele origin: germline.

Clinical Genetics, Academic Medical Center
Classification: Benign. Review status: no assertion criteria provided. Collection method: clinical testing. Allele origin: germline. Affected: yes. Study: VKGL Data-share Consensus. Not counted in ClinVar's aggregate classification.

Joint Genome Diagnostic Labs from Nijmegen and Maastricht, Radboudumc and MUMC+
Classification: Benign. Review status: no assertion criteria provided. Collection method: clinical testing. Allele origin: germline. Affected: yes. Study: VKGL Data-share Consensus. Not counted in ClinVar's aggregate classification.

NM_021625.5(TRPV4):c.789T>C (p.Asp263=)

Gene: TRPV4 (transient receptor potential cation channel subfamily V member 4; minus strand). Cytogenetic location: 12q24.11.
Variant type: single nucleotide variant.
Coding change: c.789T>C on transcript NM_021625.5 (MANE Select); coding-DNA position 789, T replaced by C.
Protein change: p.Asp263=; no amino-acid change (aspartic acid 263 retained).
Molecular consequence: synonymous variant. On other transcripts: intron variant (2).
Genome position (GRCh38, 1-based): chr12:109,800,682, A>G on the plus strand (T>C on the coding strand, the complement: TRPV4 is on the minus strand). VCF-style: chr12-109800682-A-G. GRCh37 (hg19) VCF-style: chr12-110238487-A-G.
Other names: p.D263D:GAT>GAC; p.Asp263=; c.687T>C, p.Asp229= (NM_001177431.2); c.789T>C, p.Asp263= (NM_147204.3); c.713-1770T>C (NM_001177433.1, NM_001177428.1).
Identifiers: ClinVar variation 137722 (VCV000137722.26), dbSNP rs3742034, ClinGen allele CA291392.